The following is an entry in ClinVar:

ClinVar aggregate classification (germline): Uncertain significance (1 of 4 stars; one submission).

Submission:

Labcorp Genetics (formerly Invitae), Labcorp
Classification: Uncertain significance. Last evaluated: 2024-11-28. Review status: criteria provided, single submitter. Criteria: Invitae Variant Classification Sherloc (09022015). Collection method: clinical testing. Allele origin: germline.
Comment: This sequence change replaces threonine, which is neutral and polar, with asparagine, which is neutral and polar, at codon 306 of the SCARB1 protein (p.Thr306Asn). This variant is not present in population databases (gnomAD no frequency). This variant has not been reported in the literature in individuals affected with SCARB1-related conditions. Invitae Evidence Modeling of protein sequence and biophysical properties (such as structural, functional, and spatial information, amino acid conservation, physicochemical variation, residue mobility, and thermodynamic stability) indicates that this missense variant is not expected to disrupt SCARB1 protein function with a negative predictive value of 80%. In summary, the available evidence is currently insufficient to determine the role of this variant in disease. Therefore, it has been classified as a Variant of Uncertain Significance.

NM_005505.5(SCARB1):c.917C>A (p.Thr306Asn)

Gene: SCARB1 (scavenger receptor class B member 1; minus strand). Cytogenetic location: 12q24.31.
Variant type: single nucleotide variant.
Coding change: c.917C>A on transcript NM_005505.5 (MANE Select); coding-DNA position 917, C replaced by A.
Protein change: p.Thr306Asn; replaces threonine 306 with asparagine.
Molecular consequence: missense variant. On other transcripts: non-coding transcript variant (9), intron variant (1).
Genome position (GRCh38, 1-based): chr12:124,807,853, G>T on the plus strand (C>A on the coding strand, the complement: SCARB1 is on the minus strand). VCF-style: chr12-124807853-G-T. GRCh37 (hg19) VCF-style: chr12-125292399-G-T.
Other names: c.917C>A, p.Thr306Asn (NM_001082959.2, NM_001367981.1, NM_001367983.1 and 4 more transcripts); c.794C>A, p.Thr265Asn (NM_001367982.1); c.893C>A, p.Thr298Asn (NM_001367985.1); c.726+4017C>A (NM_001367988.1); short protein forms T298N, T306N, T265N.
Identifiers: ClinVar variation 3698755 (VCV003698755.2).